The following is an entry in ClinVar:

NM_001122659.3(EDNRB):c.1228G>C (p.Glu410Gln)

Genes: EDNRB (endothelin receptor type B; minus strand), EDNRB-AS1 (EDNRB antisense RNA 1; plus strand). Cytogenetic location: 13q22.3.
Variant type: single nucleotide variant.
Coding change: c.1228G>C on transcript NM_001122659.3 (MANE Select); coding-DNA position 1228, G replaced by C.
Protein change: p.Glu410Gln; replaces glutamic acid 410 with glutamine.
Molecular consequence: missense variant. On other transcripts: intron variant (1).
Genome position (GRCh38, 1-based): chr13:77,898,301, C>G on the plus strand (G>C on the coding strand, the complement: EDNRB is on the minus strand). VCF-style: chr13-77898301-C-G. GRCh37 (hg19) VCF-style: chr13-78472436-C-G.
Other names: c.1228G>C, p.Glu410Gln (NM_000115.5); c.1498G>C, p.Glu500Gln (NM_001201397.2); c.1194+1558G>C (NM_003991.4); short protein forms E410Q, E500Q.
Identifiers: ClinVar variation 870485 (VCV000870485.5), dbSNP rs1878741475, ClinGen allele CA388450506.

ClinVar aggregate classification (germline): Uncertain significance (1 of 4 stars; one submission).

Conditions:
Aganglionic megacolon (HSCR). Also called: Hirschsprung's disease; Hirschsprung disease. Identifiers: Orphanet 388, MedGen C0019569, MeSH D006627, MONDO:0018309, HP:0002251.

Submission:

Diagnostics Services (NGS), CSIR - Centre For Cellular And Molecular Biology
Classification: Uncertain significance for Hirschsprung disease. Last evaluated: 2020-03-24. Review status: criteria provided, single submitter. Criteria: ACMG Guidelines, 2015. Collection method: clinical testing. Allele origin: unknown. Affected: yes. Observed: 1 heterozygote.
Comment: The c.1228G>C variant is not present in publicly available databases like 1000 Genomes, Exome Variant Server (EVS), Exome Aggregation Consortium (ExAC), Genome Aggregation Database (gnomAD) and dbSNP. The variant is also not present in our in-house exome database. The variant was not reported to OMIM, Human Genome Mutation Database (HGMD) or ClinVar databases in any affected individuals. Predictions from different online in-silico pathogenicity prediction programs like SIFT, PolyPhen-2, MutationTaster2, CADD etc. predicted are contradictory. There are no documented functional studies present. Due to lack of enough evidence the variant has been classified as uncertain significance.